The following is an entry in ClinVar:

NM_138927.4(SON):c.4608A>G (p.Ile1536Met)

Gene: SON (SON DNA and RNA binding protein; plus strand). Cytogenetic location: 21q22.11.
Variant type: single nucleotide variant.
Coding change: c.4608A>G on transcript NM_138927.4 (MANE Select); coding-DNA position 4608, A replaced by G.
Protein change: p.Ile1536Met; replaces isoleucine 1536 with methionine.
Molecular consequence: missense variant. On other transcripts: non-coding transcript variant (1), intron variant (1).
Genome position (GRCh38, 1-based): chr21:33,553,839, A>G. VCF-style: chr21-33553839-A-G. GRCh37 (hg19) VCF-style: chr21-34926145-A-G.
Other names: c.4608A>G, p.Ile1536Met (NM_001291411.2, NM_001412133.1, NM_032195.3 and 2 more transcripts); c.245-3317A>G (NM_001291412.3); short protein forms I1536M.
Identifiers: ClinVar variation 2827338 (VCV002827338.3), dbSNP rs2517382950, ClinGen allele CA410162990.

ClinVar aggregate classification (germline): Uncertain significance (1 of 4 stars; one submission).

Allele frequency attached by ClinVar (database versions not stated): gnomAD exomes below 0.00001.
gnomAD v4.1: 1 of 1,613,876 alleles (0.000062%); no homozygotes.

Submission:

Labcorp Genetics (formerly Invitae), Labcorp
Classification: Uncertain significance. Last evaluated: 2023-12-25. Review status: criteria provided, single submitter. Criteria: Invitae Variant Classification Sherloc (09022015). Collection method: clinical testing. Allele origin: germline.
Comment: This sequence change replaces isoleucine, which is neutral and non-polar, with methionine, which is neutral and non-polar, at codon 1536 of the SON protein (p.Ile1536Met). This variant is not present in population databases (gnomAD no frequency). This variant has not been reported in the literature in individuals affected with SON-related conditions. Algorithms developed to predict the effect of missense changes on protein structure and function output the following: SIFT: "Not Available"; PolyPhen-2: "Possibly Damaging"; Align-GVGD: "Not Available". The methionine amino acid residue is found in multiple mammalian species, which suggests that this missense change does not adversely affect protein function. In summary, the available evidence is currently insufficient to determine the role of this variant in disease. Therefore, it has been classified as a Variant of Uncertain Significance.